The following is an entry in ClinVar:

NM_007294.4(BRCA1):c.3258del (p.Val1088fs)

Genes: BRCA1 (BRCA1 DNA repair associated; minus strand), LOC126862571 (BRD4-independent group 4 enhancer GRCh37_chr17:41243136-41244335; plus strand). Cytogenetic location: 17q21.31.
Variant type: Deletion.
Coding change: c.3258del on transcript NM_007294.4 (MANE Select); coding-DNA position 3258, one base deleted (A; older notation c.3258delA).
Protein change: p.Val1088fs; shifts the reading frame from valine 1088.
Molecular consequence: frameshift variant. On other transcripts: intron variant (137).
Genome position (GRCh38, 1-based): chr17:43,092,273, T deleted on the plus strand (A on the coding strand, the reverse complement: BRCA1 is on the minus strand). VCF-style (leftmost placement, unchanged base first): chr17-43092272-CT-C. GRCh37 (hg19) VCF-style: chr17-41244289-CT-C.
Other names: 3377delA; c.578-1241del (NM_001408482.1, NM_001408484.1, NM_001408478.1 and 9 more transcripts); c.521-1241del (NM_001408504.1, NM_001408503.1, NM_001408505.1); c.644-1241del (NM_001408463.1, NM_001408462.1, NM_001408470.1 and 3 more transcripts); c.524-1241del (NM_001408499.1, NM_001408498.1, NM_001408501.1 and 3 more transcripts); c.671-1241del (NM_001408422.1, NM_001408418.1, NM_001408423.1 and 2 more transcripts); c.707-1241del (NM_001408416.1, NM_001408413.1); c.662-1241del (NM_001408450.1, NM_001408434.1, NM_001408447.1 and 6 more transcripts); and 43 more; short protein forms V1088fs, V1041fs, V1017fs, V1046fs, V1085fs, V1040fs, V1047fs, V1061fs.
Identifiers: ClinVar variation 266347 (VCV000266347.7), dbSNP rs886040107, ClinGen allele CA10589773.

ClinVar aggregate classification (germline): Pathogenic. Review status: reviewed by expert panel (3 of 4 stars). 2 submissions from 2 submitters: Pathogenic (1). 1 of the submissions does not count toward it. Last evaluated 2016-10-18.

Conditions:
Breast-ovarian cancer, familial, susceptibility to, 1 (BROVCA1). Also called: BRCA1 Hereditary Breast and Ovarian Cancer; OVARIAN CANCER, SUSCEPTIBILITY TO. Identifiers: Orphanet 145, MedGen C2676676, MONDO:0011450, OMIM 604370. Disease mechanism: loss of function.

Submissions (2):

Evidence-based Network for the Interpretation of Germline Mutant Alleles (ENIGMA)
Classification: Pathogenic for Breast-ovarian cancer, familial, susceptibility to, 1. Last evaluated: 2016-10-18. Review status: reviewed by expert panel. Criteria: ENIGMA BRCA1/2 Classification Criteria (2015). Collection method: curation. Allele origin: germline.
Comment: Variant allele predicted to encode a truncated non-functional protein.

Consortium of Investigators of Modifiers of BRCA1/2 (CIMBA), c/o University of Cambridge
Classification: Pathogenic for Breast-ovarian cancer, familial, susceptibility to, 1. Last evaluated: 2015-10-02. Review status: criteria provided, single submitter. Criteria: CIMBA Mutation Classification guidelines May 2016. Collection method: clinical testing. Allele origin: germline. Not counted in ClinVar's aggregate classification.